The following is an entry in ClinVar:

NM_001377458.1(CLCC1):c.478A>C (p.Ile160Leu)

Gene: CLCC1 (chloride channel CLIC like 1; minus strand). Cytogenetic location: 1p13.3.
Variant type: single nucleotide variant.
Coding change: c.478A>C on transcript NM_001377458.1 (MANE Select); coding-DNA position 478, A replaced by C.
Protein change: p.Ile160Leu; replaces isoleucine 160 with leucine.
Molecular consequence: missense variant. On other transcripts: non-coding transcript variant (1), intron variant (3).
Genome position (GRCh38, 1-based): chr1:108,943,919, T>G on the plus strand (A>C on the coding strand, the complement: CLCC1 is on the minus strand). VCF-style: chr1-108943919-T-G. GRCh37 (hg19) VCF-style: chr1-109486541-T-G.
Other names: c.478A>C, p.Ile160Leu (NM_001048210.3, NM_001377459.1, NM_001377460.1 and 8 more transcripts); c.376A>C, p.Ile126Leu (NM_001377469.1); c.187A>C, p.Ile63Leu (NM_001377470.1); c.340-12A>C (NM_015127.5); c.340-2421A>C (NM_001278202.2); c.339+3692A>C (NM_001278203.1); short protein forms I126L, I160L, I63L.
Identifiers: ClinVar variation 1132777 (VCV001132777.21), dbSNP rs141270237, ClinGen allele CA983589.

ClinVar aggregate classification (germline): Likely benign. Review status: criteria provided, multiple submitters, no conflicts (2 of 4 stars). 2 submissions from 2 submitters: Likely benign (2). Last evaluated 2026-01-02.

Allele frequency attached by ClinVar (database versions not stated): ExAC 0.00194; 1000 Genomes Project 0.00060; 1000 Genomes Project 30x 0.00078; TOPMed 0.00087; ESP Exome Variant Server 0.00108; gnomAD exomes 0.00123 and 0.00162; gnomAD 0.00152 and 0.00160.
gnomAD v4.1: 2,042 of 1,613,808 alleles (0.13%); highest among the groups gnomAD compares: Non-Finnish European, 0.14%; 8 homozygotes.

Submissions (2):

Labcorp Genetics (formerly Invitae), Labcorp
Classification: Likely benign. Last evaluated: 2026-01-02. Review status: criteria provided, single submitter. Criteria: Invitae Variant Classification Sherloc (09022015). Collection method: clinical testing. Allele origin: germline.

CeGaT Center for Human Genetics Tuebingen
Classification: Likely benign. Last evaluated: 2024-10-01. Review status: criteria provided, single submitter. Criteria: CeGaT Center For Human Genetics Tuebingen Variant Classification Criteria Version 2. Collection method: clinical testing. Allele origin: germline. Affected: yes. Observed: 1 variant allele.
Comment: CLCC1: BP4, BS2